The following is an entry in ClinVar:

ClinVar aggregate classification (germline): Likely benign (1 of 4 stars; one submission).

Submission:

CeGaT Center for Human Genetics Tuebingen
Classification: Likely benign. Last evaluated: 2026-08-01. Review status: criteria provided, single submitter. Criteria: CeGaT Center For Human Genetics Tuebingen Variant Classification Criteria Version 2. Collection method: clinical testing. Allele origin: germline. Affected: yes. Observed: 1 variant allele.
Comment: CHD6: PM2:Supporting, BP4, BP7

NM_032221.5(CHD6):c.390C>T (p.Pro130=)

Gene: CHD6 (chromodomain helicase DNA binding protein 6; minus strand). Cytogenetic location: 20q12.
Variant type: single nucleotide variant.
Coding change: c.390C>T on transcript NM_032221.5 (MANE Select); coding-DNA position 390, C replaced by T.
Protein change: p.Pro130=; no amino-acid change (proline 130 retained).
Molecular consequence: synonymous variant.
Genome position (GRCh38, 1-based): chr20:41,533,214, G>A on the plus strand (C>T on the coding strand, the complement: CHD6 is on the minus strand). VCF-style: chr20-41533214-G-A. GRCh37 (hg19) VCF-style: chr20-40161853-G-A.
Identifiers: ClinVar variation 5040408 (VCV005040408.1).